The following is an entry in ClinVar:

NM_017636.4(TRPM4):c.2546A>C (p.His849Pro)

Gene: TRPM4 (transient receptor potential cation channel subfamily M member 4; plus strand). Cytogenetic location: 19q13.33.
Variant type: single nucleotide variant.
Coding change: c.2546A>C on transcript NM_017636.4 (MANE Select); coding-DNA position 2546, A replaced by C.
Protein change: p.His849Pro; replaces histidine 849 with proline.
Molecular consequence: missense variant. On other transcripts: intron variant (1).
Genome position (GRCh38, 1-based): chr19:49,196,775, A>C. VCF-style: chr19-49196775-A-C. GRCh37 (hg19) VCF-style: chr19-49700032-A-C.
Other names: c.2201A>C, p.His734Pro (NM_001321281.2); c.938A>C, p.His313Pro (NM_001321282.2); c.2024A>C, p.His675Pro (NM_001321283.2); c.1484A>C, p.His495Pro (NM_001321285.2); c.2211-3525A>C (NM_001195227.2); c.2546A>C (NM_017636.3); short protein forms H313P, H734P, H495P, H675P, H849P.
Identifiers: ClinVar variation 1044070 (VCV001044070.9), dbSNP rs572920924, ClinGen allele CA9569572.
Genomic context (GRCh38, chr19:49,196,775, plus strand): 5'-TGCGCCAGGGCCTGAGCGGAGGCGGGGGCAGCCTCGCCAGCGGGGGCCCCGGGCCTGGCC[A>C]TGCCTCACTGAGCCAGCGCCTGCGCCTCTACCTCGCCGACAGCTGGAACCAGTGCGACCT-3'
Protein context (NP_060106.2, residues 839-859): SLASGGPGPG[His849Pro]ASLSQRLRLY

ClinVar aggregate classification (germline): Uncertain significance. Review status: criteria provided, multiple submitters, no conflicts (2 of 4 stars). 2 submissions from 2 submitters: Uncertain significance (2). Last evaluated 2025-10-07.

Conditions:
Progressive familial heart block type IB (PFHB1B). Identifiers: Orphanet 871, MedGen C1970298, MONDO:0011474, OMIM 604559.
Cardiovascular phenotype. Identifiers: MedGen CN230736.

Allele frequency attached by ClinVar (database versions not stated): gnomAD exomes 0.00001; ExAC 0.00004; TOPMed 0.00009.
gnomAD v4.1: 17 of 1,566,494 alleles (0.0011%); highest among the groups gnomAD compares: Non-Finnish European, 0.0015%; no homozygotes.

Submissions (2):

Labcorp Genetics (formerly Invitae), Labcorp
Classification: Uncertain significance for Progressive familial heart block type IB. Last evaluated: 2025-10-07. Review status: criteria provided, single submitter. Criteria: Invitae Variant Classification Sherloc (09022015). Collection method: clinical testing. Allele origin: germline.
Comment: This sequence change replaces histidine, which is basic and polar, with proline, which is neutral and non-polar, at codon 849 of the TRPM4 protein (p.His849Pro). This variant is present in population databases (rs572920924, gnomAD 0.001%). This variant has not been reported in the literature in individuals affected with TRPM4-related conditions. ClinVar contains an entry for this variant (Variation ID: 1044070). An algorithm developed to predict the effect of missense changes on protein structure and function (PolyPhen-2) suggests that this variant is likely to be tolerated. In summary, the available evidence is currently insufficient to determine the role of this variant in disease. Therefore, it has been classified as a Variant of Uncertain Significance.

Ambry Genetics
Classification: Uncertain significance for Cardiovascular phenotype. Last evaluated: 2024-03-05. Review status: criteria provided, single submitter. Criteria: Ambry Variant Classification Scheme 2023. Collection method: clinical testing. Allele origin: germline.